The following is an entry in ClinVar:

NM_130384.3(ATRIP):c.1417G>A (p.Gly473Ser)

Genes: ATRIP (ATR interacting protein; plus strand), ATRIP-TREX1 (ATRIP-TREX1 readthrough; plus strand). Cytogenetic location: 3p21.31.
Variant type: single nucleotide variant.
Coding change: c.1417G>A on transcript NM_130384.3 (MANE Select); coding-DNA position 1417, G replaced by A.
Protein change: p.Gly473Ser; replaces glycine 473 with serine.
Molecular consequence: missense variant. On other transcripts: non-coding transcript variant (1).
Genome position (GRCh38, 1-based): chr3:48,460,471, G>A. VCF-style: chr3-48460471-G-A. GRCh37 (hg19) VCF-style: chr3-48501870-G-A.
Other names: c.1036G>A, p.Gly346Ser (NM_001271022.2); c.1138G>A, p.Gly380Ser (NM_001271023.2); c.1417G>A, p.Gly473Ser (NM_032166.4); short protein forms G380S, G473S, G346S.
Identifiers: ClinVar variation 3699190 (VCV003699190.2).
Genomic context (GRCh38, chr3:48,460,471, plus strand): 5'-TCCTCCTGCGTGAGCTCTGGGGTAGAGACCAACCCTGAGGACTCAGTGTGCATCCTGGAA[G>A]GCTTCTCTGTGACTGCACTTAGCATTCTTCAGCACCTGGTGTGCCACAGCGGAGCAGTCG-3'
Protein context (NP_569055.1, residues 463-483): NPEDSVCILE[Gly473Ser]FSVTALSILQ

ClinVar aggregate classification (germline): Uncertain significance (1 of 4 stars; one submission).

gnomAD v4.1: 1 of 1,610,956 alleles (0.000062%); highest among the groups gnomAD compares: Non-Finnish European, 0.000085%; no homozygotes.

Submission:

Labcorp Genetics (formerly Invitae), Labcorp
Classification: Uncertain significance. Last evaluated: 2024-11-14. Review status: criteria provided, single submitter. Criteria: Invitae Variant Classification Sherloc (09022015). Collection method: clinical testing. Allele origin: germline.
Comment: This sequence change replaces glycine, which is neutral and non-polar, with serine, which is neutral and polar, at codon 473 of the ATRIP protein (p.Gly473Ser). This variant is not present in population databases (gnomAD no frequency). This variant has not been reported in the literature in individuals affected with ATRIP-related conditions. An algorithm developed to predict the effect of missense changes on protein structure and function outputs the following: PolyPhen-2: "Benign". The serine amino acid residue is found in multiple mammalian species, which suggests that this missense change does not adversely affect protein function. In summary, the available evidence is currently insufficient to determine the role of this variant in disease. Therefore, it has been classified as a Variant of Uncertain Significance.